The following is an entry in ClinVar:

ClinVar aggregate classification (germline): Likely benign. Review status: criteria provided, multiple submitters, no conflicts (2 of 4 stars). 2 submissions from 2 submitters: Likely benign (2). Last evaluated 2022-05-24.

Conditions:
Emery-Dreifuss muscular dystrophy 4, autosomal dominant (EDMD4). Also called: EMERY-DREIFUSS MUSCULAR DYSTROPHY 4 WITH VARIABLE FEATURES. Identifiers: Orphanet 261, MedGen C2751807, MONDO:0013071, OMIM 612998.
Autosomal recessive ataxia, Beauce type. Also called: SYNE1 Deficiency; Spinocerebellar ataxia, autosomal recessive 8; ATAXIA, RECESSIVE, OF BEAUCE; SYNE1-Related Autosomal Recessive Cerebellar Ataxia. Identifiers: Orphanet 88644, MedGen C1853116, MONDO:0012549, OMIM 610743.

Allele frequency attached by ClinVar (database versions not stated): gnomAD exomes below 0.00001; TOPMed 0.00002.
gnomAD v4.1: 7 of 1,614,154 alleles (0.00043%); highest among the groups gnomAD compares: Non-Finnish European, 0.00051%; no homozygotes.

Submissions (2):

Labcorp Genetics (formerly Invitae), Labcorp
Classification: Likely benign for Emery-Dreifuss muscular dystrophy 4, autosomal dominant; Autosomal recessive ataxia, Beauce type. Last evaluated: 2022-05-24. Review status: criteria provided, single submitter. Criteria: Invitae Variant Classification Sherloc (09022015). Collection method: clinical testing. Allele origin: germline.

GeneDx
Classification: Likely benign. Last evaluated: 2018-02-28. Review status: criteria provided, single submitter. Criteria: GeneDx Variant Classification (06012015). Collection method: clinical testing. Allele origin: germline. Affected: yes.
Comment: This variant is considered likely benign or benign based on one or more of the following criteria: it is a conservative change, it occurs at a poorly conserved position in the protein, it is predicted to be benign by multiple in silico algorithms, and/or has population frequency not consistent with disease.

NM_182961.4(SYNE1):c.669A>G (p.Glu223=)

Gene: SYNE1 (spectrin repeat containing nuclear envelope protein 1; minus strand). Cytogenetic location: 6q25.2.
Variant type: single nucleotide variant.
Coding change: c.669A>G on transcript NM_182961.4 (MANE Select); coding-DNA position 669, A replaced by G.
Protein change: p.Glu223=; no amino-acid change (glutamic acid 223 retained).
Molecular consequence: synonymous variant.
Genome position (GRCh38, 1-based): chr6:152,505,310, T>C on the plus strand (A>G on the coding strand, the complement: SYNE1 is on the minus strand). VCF-style: chr6-152505310-T-C. GRCh37 (hg19) VCF-style: chr6-152826445-T-C.
Other names: c.690A>G, p.Glu230= (NM_033071.5).
Identifiers: ClinVar variation 515719 (VCV000515719.5), dbSNP rs1294047431, ClinGen allele CA452762922.